The following is an entry in ClinVar:

NM_001165963.4(SCN1A):c.3721T>C (p.Tyr1241His)

Genes: SCN1A (sodium voltage-gated channel alpha subunit 1; minus strand), LOC102724058 (uncharacterized LOC102724058; plus strand). Cytogenetic location: 2q24.3.
Variant type: single nucleotide variant.
Coding change: c.3721T>C on transcript NM_001165963.4 (MANE Select); coding-DNA position 3721, T replaced by C.
Protein change: p.Tyr1241His; replaces tyrosine 1241 with histidine.
Molecular consequence: missense variant. On other transcripts: non-coding transcript variant (1).
Genome position (GRCh38, 1-based): chr2:166,012,267, A>G on the plus strand (T>C on the coding strand, the complement: SCN1A is on the minus strand). VCF-style: chr2-166012267-A-G. GRCh37 (hg19) VCF-style: chr2-166868777-A-G.
Other names: c.3637T>C, p.Tyr1213His (NM_001165964.3, NM_001353957.2, NM_001353958.2); c.3721T>C, p.Tyr1241His (NM_001202435.3, NM_001353948.2); c.3688T>C, p.Tyr1230His (NM_001353949.2, NM_001353950.2, NM_001353951.2 and 2 more transcripts); c.3685T>C, p.Tyr1229His (NM_001353954.2, NM_001353955.2); c.3634T>C, p.Tyr1212His (NM_001353960.2); c.1279T>C, p.Tyr427His (NM_001353961.2); short protein forms Y1212H, Y1213H, Y1229H, Y1230H, Y1241H, Y427H.
Identifiers: ClinVar variation 1303514 (VCV001303514.6), dbSNP rs922514173, ClinGen allele CA59774030.
Genomic context (GRCh38, chr2:166,012,267, plus strand): 5'-AAGTGAAAACCTTGTCAGCATATTCCAACATCGTCTTAATCGTCTTTCGCTGATCAATAT[A>G]TATATCTTCAAATGCCTATAAAGAAAATGTTACACATTATTAGCTTTCAAAAATAATTAT-3'
Protein context (NP_001159435.1, residues 1231-1251): SSGALAFEDI[Tyr1241His]IDQRKTIKTM

ClinVar aggregate classification (germline): Conflicting classifications of pathogenicity. Review status: criteria provided, conflicting classifications (1 of 4 stars). 2 submissions from 2 submitters: Likely pathogenic (1); Uncertain significance (1). Last evaluated 2022-07-29.

Conditions:
Early-infantile DEE. Also called: Ohtahara syndrome; Early infantile epileptic encephalopathy; Early infantile epileptic encephalopathy with suppression bursts. Identifiers: Orphanet 1934, MedGen C0393706, MONDO:0800491.

Allele frequency attached by ClinVar (database versions not stated): gnomAD 0.00001.
gnomAD v4.1: 1 of 1,608,054 alleles (0.000062%); highest among the groups gnomAD compares: Non-Finnish European, 0.000085%; no homozygotes.

Submissions (2):

Labcorp Genetics (formerly Invitae), Labcorp
Classification: Likely pathogenic for Early-infantile DEE. Last evaluated: 2022-07-29. Review status: criteria provided, single submitter. Criteria: Invitae Variant Classification Sherloc (09022015). Collection method: clinical testing. Allele origin: germline.
Comment: This sequence change replaces tyrosine, which is neutral and polar, with histidine, which is basic and polar, at codon 1241 of the SCN1A protein (p.Tyr1241His). This variant is not present in population databases (gnomAD no frequency). This missense change has been observed in individual(s) with Dravet syndrome (PMID: 28012175). ClinVar contains an entry for this variant (Variation ID: 1303514). Advanced modeling of protein sequence and biophysical properties (such as structural, functional, and spatial information, amino acid conservation, physicochemical variation, residue mobility, and thermodynamic stability) performed at Invitae indicates that this missense variant is expected to disrupt SCN1A protein function. In summary, the currently available evidence indicates that the variant is pathogenic, but additional data are needed to prove that conclusively. Therefore, this variant has been classified as Likely Pathogenic.

GeneDx
Classification: Uncertain significance. Last evaluated: 2020-04-14. Review status: criteria provided, single submitter. Criteria: GeneDx Variant Classification Process June 2021. Collection method: clinical testing. Allele origin: germline. Affected: yes.
Comment: Not observed in large population cohorts (Lek et al., 2016); Missense variants in this gene are often considered pathogenic (Stenson et al., 2014); In silico analysis supports that this missense variant has a deleterious effect on protein structure/function; This substitution is predicted to lie within the extracellular loop between the S1 and S2 transmembrane segments of the third homologous domain; This variant is associated with the following publications: (PMID: 28012175)

Literature cited by the submitters: PubMed 28012175 (cited by Labcorp Genetics (formerly Invitae), Labcorp).